The following is an entry in ClinVar:

NM_000059.4(BRCA2):c.5050A>C (p.Thr1684Pro)

Gene: BRCA2 (BRCA2 DNA repair associated; plus strand). Cytogenetic location: 13q13.1.
Variant type: single nucleotide variant.
Coding change: c.5050A>C on transcript NM_000059.4 (MANE Select); coding-DNA position 5050, A replaced by C.
Protein change: p.Thr1684Pro; replaces threonine 1684 with proline.
Molecular consequence: missense variant. On other transcripts: non-coding transcript variant (1), intron variant (2).
Genome position (GRCh38, 1-based): chr13:32,339,405, A>C. VCF-style: chr13-32339405-A-C. GRCh37 (hg19) VCF-style: chr13-32913542-A-C.
Other names: c.5050A>C, p.Thr1684Pro (NM_001406719.1, NM_001406720.1, NM_001432077.1); c.1910-5153A>C (NM_001406721.1); c.425-5153A>C (NM_001406722.1); short protein forms T1684P.
Identifiers: ClinVar variation 4689672 (VCV004689672.1).
Genomic context (GRCh38, chr13:32,339,405, plus strand): 5'-ATTGAAAATTCAGCCTTAGCTTTTTACACAAGTTGTAGTAGAAAAACTTCTGTGAGTCAG[A>C]CTTCATTACTTGAAGCAAAAAAATGGCTTAGAGAAGGAATATTTGATGGTCAACCAGAAA-3'
Protein context (NP_000050.3, residues 1674-1694): SCSRKTSVSQ[Thr1684Pro]SLLEAKKWLR

ClinVar aggregate classification (germline): Uncertain significance (1 of 4 stars; one submission).

Submission:

Women's Health and Genetics/Laboratory Corporation of America, LabCorp
Classification: Uncertain significance. Last evaluated: 2026-01-04. Review status: criteria provided, single submitter. Criteria: LabCorp Variant Classification Summary - May 2015. Collection method: clinical testing. Allele origin: germline.
Comment: Variant summary: BRCA2 c.5050A>C (p.Thr1684Pro) results in a non-conservative amino acid change in the encoded protein sequence. Algorithms developed to predict the effect of missense changes on protein structure and function are either unavailable or do not agree on the potential impact of this missense change. The variant was absent in 237332 control chromosomes. The available data on variant occurrences in the general population are insufficient to allow any conclusion about variant significance. To our knowledge, no occurrence of c.5050A>C in individuals affected with BRCA2-related conditions and no experimental evidence demonstrating its impact on protein function have been reported. No submitters have cited clinical-significance assessments for this variant to ClinVar. Based on the evidence outlined above, the variant was classified as uncertain significance.